The following is an entry in ClinVar:

NM_013275.6(ANKRD11):c.4845C>T (p.Ser1615=)

Gene: ANKRD11 (ankyrin repeat domain 11; minus strand). Cytogenetic location: 16q24.3.
Variant type: single nucleotide variant.
Coding change: c.4845C>T on transcript NM_013275.6 (MANE Select); coding-DNA position 4845, C replaced by T.
Protein change: p.Ser1615=; no amino-acid change (serine 1615 retained).
Molecular consequence: synonymous variant.
Genome position (GRCh38, 1-based): chr16:89,281,697, G>A on the plus strand (C>T on the coding strand, the complement: ANKRD11 is on the minus strand). VCF-style: chr16-89281697-G-A. GRCh37 (hg19) VCF-style: chr16-89348105-G-A.
Other names: c.4845C>T, p.Ser1615= (NM_001256182.2, NM_001256183.2).
Identifiers: ClinVar variation 1210500 (VCV001210500.16), dbSNP rs140467207, ClinGen allele CA8242031.

ClinVar aggregate classification (germline): Likely benign. Review status: criteria provided, multiple submitters, no conflicts (2 of 4 stars). 3 submissions from 3 submitters: Likely benign (3). Last evaluated 2025-11-29.

Conditions:
KBG syndrome (KBGS). Also called: ANKRD11-Related KBG Syndrome. Identifiers: Orphanet 2332, MedGen C0220687, MONDO:0007846, OMIM 148050.

Allele frequency attached by ClinVar (database versions not stated): ExAC 0.00007; gnomAD 0.00015 and 0.00016; ESP Exome Variant Server 0.00023.
gnomAD v4.1: 137 of 1,613,986 alleles (0.0085%); highest among the groups gnomAD compares: African/African-American, 0.047%; no homozygotes.

Submissions (3):

Labcorp Genetics (formerly Invitae), Labcorp
Classification: Likely benign for KBG syndrome. Last evaluated: 2025-11-29. Review status: criteria provided, single submitter. Criteria: Invitae Variant Classification Sherloc (09022015). Collection method: clinical testing. Allele origin: germline.

CeGaT Center for Human Genetics Tuebingen
Classification: Likely benign. Last evaluated: 2025-05-01. Review status: criteria provided, single submitter. Criteria: CeGaT Center For Human Genetics Tuebingen Variant Classification Criteria Version 2. Collection method: clinical testing. Allele origin: germline. Affected: yes. Observed: 1 variant allele.
Comment: ANKRD11: BP4, BP7

GeneDx
Classification: Likely benign. Last evaluated: 2021-07-28. Review status: criteria provided, single submitter. Criteria: GeneDx Variant Classification Process June 2021. Collection method: clinical testing. Allele origin: germline. Affected: yes.